The following is an entry in ClinVar:

NM_001458.5(FLNC):c.2553G>T (p.Glu851Asp)

Gene: FLNC (filamin C; plus strand). Cytogenetic location: 7q32.1.
Variant type: single nucleotide variant.
Coding change: c.2553G>T on transcript NM_001458.5 (MANE Select); coding-DNA position 2553, G replaced by T.
Protein change: p.Glu851Asp; replaces glutamic acid 851 with aspartic acid.
Molecular consequence: missense variant.
Genome position (GRCh38, 1-based): chr7:128,843,231, G>T. VCF-style: chr7-128843231-G-T. GRCh37 (hg19) VCF-style: chr7-128483285-G-T.
Other names: c.2553G>T, p.Glu851Asp (NM_001127487.2); short protein forms E851D.
Identifiers: ClinVar variation 1792985 (VCV001792985.7), dbSNP rs2128935898, ClinGen allele CA369192157.

ClinVar aggregate classification (germline): Uncertain significance. Review status: criteria provided, multiple submitters, no conflicts (2 of 4 stars). 2 submissions from 2 submitters: Uncertain significance (2). Last evaluated 2024-11-24.

Conditions:
Cardiovascular phenotype. Identifiers: MedGen CN230736.
Hypertrophic cardiomyopathy 26. Also called: Cardiomyopathy, familial hypertrophic, 26. Identifiers: Orphanet 75249, MedGen C4310749, MONDO:0014883, OMIM 617047.
Distal myopathy with posterior leg and anterior hand involvement. Also called: WILLIAMS DISTAL MYOPATHY. Identifiers: Orphanet 63273, MedGen C3279722, MONDO:0013550, OMIM 614065.
Myofibrillar myopathy 5. Also called: Filaminopathy (type); FILAMINOPATHY, AUTOSOMAL DOMINANT. Identifiers: Orphanet 171445, MedGen C1836050, MONDO:0012289, OMIM 609524.

Allele frequency attached by ClinVar (database versions not stated): gnomAD exomes below 0.00001.
gnomAD v4.1: 2 of 1,592,126 alleles (0.00013%); highest among the groups gnomAD compares: Non-Finnish European, 0.00017%; no homozygotes.

Submissions (2):

Labcorp Genetics (formerly Invitae), Labcorp
Classification: Uncertain significance for Distal myopathy with posterior leg and anterior hand involvement; Myofibrillar myopathy 5; Hypertrophic cardiomyopathy 26. Last evaluated: 2024-11-24. Review status: criteria provided, single submitter. Criteria: Invitae Variant Classification Sherloc (09022015). Collection method: clinical testing. Allele origin: germline.
Comment: This sequence change replaces glutamic acid, which is acidic and polar, with aspartic acid, which is acidic and polar, at codon 851 of the FLNC protein (p.Glu851Asp). This variant is not present in population databases (gnomAD no frequency). This missense change has been observed in individual(s) with arrhythmogenic cardiomyopathy and/or dilated cardiomyopathy (PMID: 36788754). ClinVar contains an entry for this variant (Variation ID: 1792985). An algorithm developed to predict the effect of missense changes on protein structure and function (PolyPhen-2) suggests that this variant is likely to be tolerated. In summary, the available evidence is currently insufficient to determine the role of this variant in disease. Therefore, it has been classified as a Variant of Uncertain Significance.

Ambry Genetics
Classification: Uncertain significance for Cardiovascular phenotype. Last evaluated: 2022-07-11. Review status: criteria provided, single submitter. Criteria: Ambry Variant Classification Scheme 2023. Collection method: clinical testing. Allele origin: germline.
Comment: The p.E851D variant (also known as c.2553G>T), located in coding exon 17 of the FLNC gene, results from a G to T substitution at nucleotide position 2553. The glutamic acid at codon 851 is replaced by aspartic acid, an amino acid with highly similar properties. This amino acid position is conserved. In addition, this alteration is predicted to be tolerated by in silico analysis. Since supporting evidence is limited at this time, the clinical significance of this alteration remains unclear.

Literature cited by the submitters: PubMed 36788754 (cited by Labcorp Genetics (formerly Invitae), Labcorp).